The following is an entry in ClinVar:

ClinVar aggregate classification (germline): Uncertain significance (1 of 4 stars; one submission).

Submission:

Labcorp Genetics (formerly Invitae), Labcorp
Classification: Uncertain significance. Last evaluated: 2023-03-18. Review status: criteria provided, single submitter. Criteria: Invitae Variant Classification Sherloc (09022015). Collection method: clinical testing. Allele origin: germline.
Comment: In summary, the available evidence is currently insufficient to determine the role of this variant in disease. Therefore, it has been classified as a Variant of Uncertain Significance. An algorithm developed to predict the effect of missense changes on protein structure and function (PolyPhen-2) suggests that this variant is likely to be tolerated. This variant has not been reported in the literature in individuals affected with LAMC3-related conditions. This variant is not present in population databases (gnomAD no frequency). This sequence change replaces glycine, which is neutral and non-polar, with alanine, which is neutral and non-polar, at codon 1520 of the LAMC3 protein (p.Gly1520Ala).

NM_006059.4(LAMC3):c.4559G>C (p.Gly1520Ala)

Gene: LAMC3 (laminin subunit gamma 3; plus strand). Cytogenetic location: 9q34.12.
Variant type: single nucleotide variant.
Coding change: c.4559G>C on transcript NM_006059.4 (MANE Select); coding-DNA position 4559, G replaced by C.
Protein change: p.Gly1520Ala; replaces glycine 1520 with alanine.
Molecular consequence: missense variant.
Genome position (GRCh38, 1-based): chr9:131,091,618, G>C. VCF-style: chr9-131091618-G-C. GRCh37 (hg19) VCF-style: chr9-133967005-G-C.
Other names: short protein forms G1520A.
Identifiers: ClinVar variation 2847088 (VCV002847088.3), dbSNP rs2538333888, ClinGen allele CA375267060.